The following is an entry in ClinVar:

NM_001105206.3(LAMA4):c.2493+214A>G

Gene: LAMA4 (laminin subunit alpha 4; minus strand). Cytogenetic location: 6q21.
Variant type: single nucleotide variant.
Coding change: c.2493+214A>G on transcript NM_001105206.3 (MANE Select); 214 bases into the intron after coding-DNA position 2493, A replaced by G.
Molecular consequence: intron variant.
Genome position (GRCh38, 1-based): chr6:112,144,580, T>C on the plus strand (A>G on the coding strand, the complement: LAMA4 is on the minus strand). VCF-style: chr6-112144580-T-C. GRCh37 (hg19) VCF-style: chr6-112465782-T-C.
Other names: c.2472+214A>G (NM_002290.5, NM_001105207.3).
Identifiers: ClinVar variation 676366 (VCV000676366.1), dbSNP rs114468847, ClinGen allele CA144896089.
Genomic context (GRCh38, chr6:112,144,580, plus strand): 5'-GGCTACACATTAGAATAACCTGGGAGCTTTAAAGAACATACAGGTACTGAGCCCTTTCTC[T>C]ACAGAGTCTGATCTATTGCTTTCAGGTTGGGACCAGGAATTGGTTTCGTTTTCAGTGTTC-3'

ClinVar aggregate classification (germline): Likely benign (1 of 4 stars; one submission).

Allele frequency attached by ClinVar (database versions not stated): gnomAD 0.00638 and 0.00692; TOPMed 0.00705; 1000 Genomes Project 0.00759; 1000 Genomes Project 30x 0.00812.

Submission:

GeneDx
Classification: Likely benign. Last evaluated: 2018-06-19. Review status: criteria provided, single submitter. Criteria: GeneDx Variant Classification (06012015). Collection method: clinical testing. Allele origin: germline. Affected: yes.
Comment: This variant is considered likely benign or benign based on one or more of the following criteria: it is a conservative change, it occurs at a poorly conserved position in the protein, it is predicted to be benign by multiple in silico algorithms, and/or has population frequency not consistent with disease.